The following is an entry in ClinVar:

ClinVar aggregate classification (germline): Benign. Review status: criteria provided, multiple submitters, no conflicts (2 of 4 stars). 3 submissions from 3 submitters: Benign (3). Last evaluated 2025-12-08.

Allele frequency attached by ClinVar (database versions not stated): gnomAD exomes 0.00043 and 0.00108; gnomAD 0.00416 and 0.00428; 1000 Genomes Project 0.00639; ExAC 0.00133; ESP Exome Variant Server 0.00401; TOPMed 0.00449; 1000 Genomes Project 30x 0.00625.
gnomAD v4.1: 1,265 of 1,606,906 alleles (0.079%); highest among the groups gnomAD compares: African/African-American, 1.4%; 10 homozygotes.

Submissions (3):

Labcorp Genetics (formerly Invitae), Labcorp
Classification: Benign. Last evaluated: 2025-12-08. Review status: criteria provided, single submitter. Criteria: Invitae Variant Classification Sherloc (09022015). Collection method: clinical testing. Allele origin: germline.

CeGaT Center for Human Genetics Tuebingen
Classification: Benign. Last evaluated: 2022-08-01. Review status: criteria provided, single submitter. Criteria: CeGaT Center For Human Genetics Tuebingen Variant Classification Criteria Version 2. Collection method: clinical testing. Allele origin: germline. Affected: yes. Observed: 1 variant allele.
Comment: NUP62: BS1, BS2

Breakthrough Genomics
Classification: Benign. Review status: criteria provided, single submitter. Criteria: ACMG Guidelines, 2015. Collection method: not provided. Allele origin: germline. Inheritance: Autosomal recessive inheritance. Affected: yes.

NM_016553.5(NUP62):c.835G>A (p.Ala279Thr)

Genes: IL4I1 (interleukin 4 induced 1; minus strand), NUP62 (nucleoporin 62; minus strand). Cytogenetic location: 19q13.33.
Variant type: single nucleotide variant.
Coding change: c.835G>A on transcript NM_016553.5 (MANE Select); coding-DNA position 835, G replaced by A.
Protein change: p.Ala279Thr; replaces alanine 279 with threonine.
Molecular consequence: missense variant. On other transcripts: intron variant (3).
Genome position (GRCh38, 1-based): chr19:49,908,973, C>T on the plus strand (G>A on the coding strand, the complement: NUP62 is on the minus strand). VCF-style: chr19-49908973-C-T. GRCh37 (hg19) VCF-style: chr19-50412230-C-T.
Other names: c.835G>A, p.Ala279Thr (NM_001193357.2, NM_012346.5, NM_153718.4 and 1 more transcripts); c.-227-4652G>A (NM_001258017.2, NM_172374.3); c.-285-4652G>A (NM_001258018.2); short protein forms A279T.
Identifiers: ClinVar variation 728901 (VCV000728901.39), dbSNP rs113473061, ClinGen allele CA9589025.